The following continues an entry in ClinVar:

NM_000051.4(ATM):c.103C>T (p.Arg35Ter)

Gene: ATM. ClinVar aggregate classification (germline): Pathogenic/Likely pathogenic. Pathogenic (24); Likely pathogenic (2).

Submissions 28 to 29 of 29:

Counsyl
Classification: Pathogenic for Ataxia-telangiectasia syndrome. Last evaluated: 2016-07-18. Review status: no assertion criteria provided. Collection method: clinical testing. Allele origin: unknown. Not counted in ClinVar's aggregate classification.

OMIM
Classification: Pathogenic for ATAXIA-TELANGIECTASIA. Last evaluated: 1996-12-01. Review status: no assertion criteria provided. Collection method: literature only. Allele origin: germline. Not counted in ClinVar's aggregate classification.

Literature cited by the submitters: PubMed 23807571 (cited by Labcorp Genetics (formerly Invitae), Labcorp and Rady Children's Institute for Genomic Medicine, Rady Children's Hospital San Diego); PubMed 25614872 (cited by Labcorp Genetics (formerly Invitae), Labcorp); PubMed 8968760 (cited by 8 submitters); PubMed 21665257 (cited by 4 submitters); PubMed 26845104 (cited by 3 submitters); PubMed 12637545 (cited by Labcorp Genetics (formerly Invitae), Labcorp); PubMed 15101044 (cited by 6 submitters); PubMed 17699107 (cited by 3 submitters); PubMed 21965147 (cited by Natera, Inc.); PubMed 29915382 (cited by 3 submitters); PubMed 9450906 (cited by Natera, Inc. and Color Diagnostics, LLC DBA Color Health); PubMed 12497634 (cited by Ambry Genetics); PubMed 23322442 (cited by Ambry Genetics and Department of Pathology and Laboratory Medicine, Sinai Health System); PubMed 26778106 (cited by Ambry Genetics); PubMed 28152038 (cited by Ambry Genetics); PubMed 29506128 (cited by Ambry Genetics and Sema4); PubMed 30274973 (cited by Ambry Genetics and Sema4); PubMed 31447099 (cited by Ambry Genetics); PubMed 31741144 (cited by Ambry Genetics and Sema4); PubMed 32338768 (cited by Ambry Genetics); PubMed 33436325 (cited by Ambry Genetics); PubMed 33471991 (cited by Ambry Genetics and Color Diagnostics, LLC DBA Color Health); PubMed 10873394 (cited by Color Diagnostics, LLC DBA Color Health); PubMed 12072877 (cited by Color Diagnostics, LLC DBA Color Health); PubMed 12815592 (cited by Color Diagnostics, LLC DBA Color Health); PubMed 35154108 (cited by Color Diagnostics, LLC DBA Color Health); 26098866 (cited by Rady Children's Institute for Genomic Medicine, Rady Children's Hospital San Diego); 34723800 (cited by Rady Children's Institute for Genomic Medicine, Rady Children's Hospital San Diego); 8968760 (cited by Rady Children's Institute for Genomic Medicine, Rady Children's Hospital San Diego); 15101044 (cited by Rady Children's Institute for Genomic Medicine, Rady Children's Hospital San Diego); 21665257 (cited by Rady Children's Institute for Genomic Medicine, Rady Children's Hospital San Diego); 31447099 (cited by Rady Children's Institute for Genomic Medicine, Rady Children's Hospital San Diego); 32338768 (cited by Rady Children's Institute for Genomic Medicine, Rady Children's Hospital San Diego); 29506128 (cited by Rady Children's Institute for Genomic Medicine, Rady Children's Hospital San Diego); 30274973 (cited by Rady Children's Institute for Genomic Medicine, Rady Children's Hospital San Diego); 33436325 (cited by Rady Children's Institute for Genomic Medicine, Rady Children's Hospital San Diego); PubMed 31050087 (cited by Sema4); PubMed 8845835 (cited by Women's Health and Genetics/Laboratory Corporation of America, LabCorp).